The following is an entry in ClinVar:

ClinVar aggregate classification (germline): Likely benign (1 of 4 stars; one submission).

Submission:

CeGaT Center for Human Genetics Tuebingen
Classification: Likely benign. Last evaluated: 2026-08-01. Review status: criteria provided, single submitter. Criteria: CeGaT Center For Human Genetics Tuebingen Variant Classification Criteria Version 2. Collection method: clinical testing. Allele origin: germline. Affected: yes. Observed: 1 variant allele.
Comment: SLC35A1: PM2:Supporting, BP4, BP7

NM_006416.5(SLC35A1):c.834G>C (p.Ala278=)

Gene: SLC35A1 (solute carrier family 35 member A1; plus strand). Cytogenetic location: 6q15.
Variant type: single nucleotide variant.
Coding change: c.834G>C on transcript NM_006416.5 (MANE Select); coding-DNA position 834, G replaced by C.
Protein change: p.Ala278=; no amino-acid change (alanine 278 retained).
Molecular consequence: synonymous variant.
Genome position (GRCh38, 1-based): chr6:87,509,123, G>C. VCF-style: chr6-87509123-G-C. GRCh37 (hg19) VCF-style: chr6-88218841-G-C.
Other names: c.657G>C, p.Ala219= (NM_001168398.2).
Identifiers: ClinVar variation 5040351 (VCV005040351.1).